The following is an entry in ClinVar:

NM_001182.5(ALDH7A1):c.192+9G>A

Gene: ALDH7A1 (aldehyde dehydrogenase 7 family member A1; minus strand). Cytogenetic location: 5q23.2.
Variant type: single nucleotide variant.
Coding change: c.192+9G>A on transcript NM_001182.5 (MANE Select); 9 bases into the intron after coding-DNA position 192, G replaced by A.
Molecular consequence: intron variant.
Genome position (GRCh38, 1-based): chr5:126,594,998, C>T on the plus strand (G>A on the coding strand, the complement: ALDH7A1 is on the minus strand). VCF-style: chr5-126594998-C-T. GRCh37 (hg19) VCF-style: chr5-125930690-C-T.
Other names: c.192+9G>A (NM_001202404.2); c.108+9G>A (NM_001201377.2).
Identifiers: ClinVar variation 512163 (VCV000512163.1), dbSNP rs1554101934, ClinGen allele CA658796623.

ClinVar aggregate classification (germline): Likely benign (1 of 4 stars; one submission).

Submission:

GeneDx
Classification: Likely benign. Last evaluated: 2017-09-15. Review status: criteria provided, single submitter. Criteria: GeneDx Variant Classification (06012015). Collection method: clinical testing. Allele origin: germline. Affected: yes.
Comment: This variant is considered likely benign or benign based on one or more of the following criteria: it is a conservative change, it occurs at a poorly conserved position in the protein, it is predicted to be benign by multiple in silico algorithms, and/or has population frequency not consistent with disease.